The following is an entry in ClinVar:

ClinVar aggregate classification (germline): Pathogenic (1 of 4 stars; one submission).

Conditions:
Holocarboxylase synthetase deficiency. Also called: MULTIPLE CARBOXYLASE DEFICIENCY, EARLY ONSET. Identifiers: Orphanet 79242, MedGen C0268581, MONDO:0009666, OMIM 253270.

Submission:

Labcorp Genetics (formerly Invitae), Labcorp
Classification: Pathogenic for Holocarboxylase synthetase deficiency. Last evaluated: 2024-03-09. Review status: criteria provided, single submitter. Criteria: Invitae Variant Classification Sherloc (09022015). Collection method: clinical testing. Allele origin: germline.
Comment: This sequence change creates a premature translational stop signal (p.Leu335Alafs*18) in the HLCS gene. It is expected to result in an absent or disrupted protein product. Loss-of-function variants in HLCS are known to be pathogenic (PMID: 16134170). This variant is not present in population databases (gnomAD no frequency). This variant has not been reported in the literature in individuals affected with HLCS-related conditions. For these reasons, this variant has been classified as Pathogenic.

Literature cited by the submitters: PubMed 16134170.

NM_001352514.2(HLCS):c.1440_1443dup (p.Leu482fs)

Gene: HLCS (holocarboxylase synthetase; minus strand). Cytogenetic location: 21q22.13.
Variant type: Duplication.
Coding change: c.1440_1443dup on transcript NM_001352514.2 (MANE Select); coding-DNA positions 1440 to 1443, 4 bases duplicated (GCAC; older notation c.1440_1443dupGCAC).
Protein change: p.Leu482fs; shifts the reading frame from leucine 482.
Molecular consequence: frameshift variant. On other transcripts: non-coding transcript variant (2).
Genome position (GRCh38, 1-based): chr21:36,930,428-36,930,431, GTGC duplicated on the plus strand (GCAC on the coding strand, the reverse complement: HLCS is on the minus strand). VCF-style (leftmost placement, unchanged base first): chr21-36930427-A-AGTGC. GRCh37 (hg19) VCF-style: chr21-38302727-A-AGTGC.
Other names: c.999_1002dup, p.Leu335fs (NM_000411.8, NM_001242784.3, NM_001242785.2 and 4 more transcripts); short protein forms L335fs, L482fs.
Identifiers: ClinVar variation 3645166 (VCV003645166.2).
Genomic context (GRCh38, chr21:36,930,427, plus strand): 5'-ACTTGAGCAAGTTAAAATCTTCTGGAGTTTGCACTATGTTGGAGCTGGGAGGTAGTTCTA[A>AGTGC]GTGCACCTGAAGGGGAAAGATAGCACTATGTAAACTGAGGGCACTCACAGGCAATGAGAA-3'